The following is an entry in ClinVar:

NC_000015.9:g.(?_91346741)_(91358509_?)del

Gene: BLM (BLM RecQ like helicase; plus strand). Cytogenetic location: 15q26.1.
Variant type: Deletion.
Identifiers: ClinVar variation 1068323 (VCV001068323.1).

ClinVar aggregate classification (germline): Likely pathogenic (1 of 4 stars; one submission).

Conditions:
Bloom syndrome (BLM). Also called: Bloom-Torre-Machacek syndrome. Identifiers: Orphanet 125, MedGen C0005859, MONDO:0008876, OMIM 210900.

Submission:

Labcorp Genetics (formerly Invitae), Labcorp
Classification: Likely pathogenic for Bloom syndrome. Last evaluated: 2020-05-04. Review status: criteria provided, single submitter. Criteria: Invitae Variant Classification Sherloc (09022015). Collection method: clinical testing. Allele origin: germline.
Comment: This variant is a gross deletion of the genomic region encompassing exon(s) 18-22 of the BLM gene. The 5' boundary is likely confined to intron 17. The 3' end of this event is unknown as it extends through the termination codon beyond the assayed region for this gene and may encompass additional genes. While this deletion is not anticipated to result in nonsense mediated decay, it is expected to create a truncated protein product or disrupt mRNA translation. This variant has not been reported in the literature in individuals with BLM-related conditions. This deletion variant affects amino acid residues 1334-1349, which constitute the nuclear localization signal (NLS) of the BLM protein (PMID: 9388480) and are required for BLM interaction with topoisomerase I (TOP1) (PMID: 27657136). These residues have been shown in experimental studies to be critical for BLM localization to the nucleus (PMID: 9388480, 10569803, 27657136) and TOP1-mediated RNA:DNA unwinding (PMID: 27657136). In summary, the currently available evidence indicates that the variant is pathogenic, but additional data are needed to prove that conclusively. Therefore, this variant has been classified as Likely Pathogenic.

Literature cited by the submitters: PubMed 9388480; PubMed 27657136; PubMed 10569803.